The following is an entry in ClinVar:

ClinVar aggregate classification (germline): Uncertain significance (1 of 4 stars; one submission).

Allele frequency attached by ClinVar (database versions not stated): gnomAD exomes below 0.00001.
gnomAD v4.1: 1 of 1,556,736 alleles (0.000064%); highest among the groups gnomAD compares: Non-Finnish European, 0.000087%; no homozygotes.

Submission:

Labcorp Genetics (formerly Invitae), Labcorp
Classification: Uncertain significance. Last evaluated: 2022-08-16. Review status: criteria provided, single submitter. Criteria: Invitae Variant Classification Sherloc (09022015). Collection method: clinical testing. Allele origin: germline.
Comment: This sequence change replaces proline, which is neutral and non-polar, with leucine, which is neutral and non-polar, at codon 684 of the MAGEL2 protein (p.Pro684Leu). The frequency data for this variant in the population databases is considered unreliable, as metrics indicate poor data quality at this position in the gnomAD database. This variant has not been reported in the literature in individuals affected with MAGEL2-related conditions. Experimental studies and prediction algorithms are not available or were not evaluated, and the functional significance of this variant is currently unknown. In summary, the available evidence is currently insufficient to determine the role of this variant in disease. Therefore, it has been classified as a Variant of Uncertain Significance.

NM_019066.5(MAGEL2):c.2051C>T (p.Pro684Leu)

Gene: MAGEL2 (MAGE family member L2; minus strand). Cytogenetic location: 15q11.2.
Variant type: single nucleotide variant.
Coding change: c.2051C>T on transcript NM_019066.5 (MANE Select); coding-DNA position 2051, C replaced by T.
Protein change: p.Pro684Leu; replaces proline 684 with leucine.
Molecular consequence: missense variant.
Genome position (GRCh38, 1-based): chr15:23,645,692, G>A on the plus strand (C>T on the coding strand, the complement: MAGEL2 is on the minus strand). VCF-style: chr15-23645692-G-A. GRCh37 (hg19) VCF-style: chr15-23890839-G-A.
Other names: short protein forms P684L.
Identifiers: ClinVar variation 2099694 (VCV002099694.4), dbSNP rs1287158579, ClinGen allele CA391332779.